The following is an entry in ClinVar:

NM_014956.5(CEP164):c.3068A>G (p.Gln1023Arg)

Gene: CEP164 (centrosomal protein 164; plus strand). Cytogenetic location: 11q23.3.
Variant type: single nucleotide variant.
Coding change: c.3068A>G on transcript NM_014956.5 (MANE Select); coding-DNA position 3068, A replaced by G.
Protein change: p.Gln1023Arg; replaces glutamine 1023 with arginine.
Molecular consequence: missense variant.
Genome position (GRCh38, 1-based): chr11:117,395,701, A>G. VCF-style: chr11-117395701-A-G. GRCh37 (hg19) VCF-style: chr11-117266417-A-G.
Other names: c.3077A>G, p.Gln1026Arg (NM_001271933.2, NM_001440949.1); c.3068A>G, p.Gln1023Arg (NM_001440950.1, NM_001440951.1, NM_001440953.1); c.2903A>G, p.Gln968Arg (NM_001440952.1, NM_001440968.1, NM_001440969.1); c.2990A>G, p.Gln997Arg (NM_001440954.1, NM_001440955.1, NM_001440958.1 and 1 more transcripts); c.2981A>G, p.Gln994Arg (NM_001440956.1, NM_001440957.1); c.2939A>G, p.Gln980Arg (NM_001440960.1); c.2930A>G, p.Gln977Arg (NM_001440961.1, NM_001440967.1); c.2921A>G, p.Gln974Arg (NM_001440962.1, NM_001440963.1, NM_001440964.1 and 4 more transcripts); and 7 more; short protein forms Q904R, Q927R, Q968R, Q1026R, Q898R, Q974R, Q997R, Q1023R.
Identifiers: ClinVar variation 4979788 (VCV004979788.1).

ClinVar aggregate classification (germline): Uncertain significance (1 of 4 stars; one submission).

Conditions:
CEP164-related disorder. Also called: CEP164-related condition.

gnomAD v4.1: 18 of 1,612,072 alleles (0.0011%); highest among the groups gnomAD compares: Admixed American, 0.0017%; no homozygotes.

Submission:

PreventionGenetics, part of Exact Sciences
Classification: Uncertain significance for CEP164-related condition. Last evaluated: 2026-04-18. Review status: criteria provided, single submitter. Criteria: ACMG Guidelines, 2015. Collection method: clinical testing. Allele origin: germline.
Comment: The CEP164 c.3068A>G variant is predicted to result in the amino acid substitution p.Gln1023Arg. To our knowledge, this variant has not been reported in the literature. This variant is reported in 0.0029% of alleles in individuals of Latino descent in gnomAD. At this time, the clinical significance of this variant is uncertain due to the absence of conclusive functional and genetic evidence.